The following is an entry in ClinVar:

ClinVar aggregate classification (germline): Uncertain significance. Review status: criteria provided, multiple submitters, no conflicts (2 of 4 stars). 2 submissions from 2 submitters: Uncertain significance (2). Last evaluated 2025-02-06.

Conditions:
Inborn genetic diseases. Identifiers: MedGen C0950123, MeSH D030342.
Hepatic veno-occlusive disease-immunodeficiency syndrome. Also called: Hepatic Veno-Occlusive Disease with Immunodeficiency. Identifiers: Orphanet 79124, MedGen C1856128, MONDO:0009338, OMIM 235550. Disease mechanism: loss of function.

Allele frequency attached by ClinVar (database versions not stated): TOPMed 0.00001; ExAC 0.00002.
gnomAD v4.1: 7 of 1,559,326 alleles (0.00045%); highest among the groups gnomAD compares: Admixed American, 0.01%; no homozygotes.

Submissions (2):

Ambry Genetics
Classification: Uncertain significance for Inborn genetic diseases. Last evaluated: 2025-02-06. Review status: criteria provided, single submitter. Criteria: Ambry Variant Classification Scheme 2023. Collection method: clinical testing. Allele origin: germline.

Labcorp Genetics (formerly Invitae), Labcorp
Classification: Uncertain significance for Hepatic veno-occlusive disease-immunodeficiency syndrome. Last evaluated: 2022-04-08. Review status: criteria provided, single submitter. Criteria: Invitae Variant Classification Sherloc (09022015). Collection method: clinical testing. Allele origin: germline.
Comment: In summary, the available evidence is currently insufficient to determine the role of this variant in disease. Therefore, it has been classified as a Variant of Uncertain Significance. Algorithms developed to predict the effect of missense changes on protein structure and function are either unavailable or do not agree on the potential impact of this missense change (SIFT: "Deleterious"; PolyPhen-2: "Possibly Damaging"; Align-GVGD: "Class C0"). ClinVar contains an entry for this variant (Variation ID: 1018661). This variant has not been reported in the literature in individuals affected with SP110-related conditions. This variant is present in population databases (rs754775004, gnomAD 0.01%). This sequence change replaces cysteine, which is neutral and slightly polar, with phenylalanine, which is neutral and non-polar, at codon 283 of the SP110 protein (p.Cys283Phe).

NM_080424.4(SP110):c.848G>T (p.Cys283Phe)

Genes: SP140 (SP140 nuclear body protein; plus strand), SP110 (SP110 nuclear body protein; minus strand). Cytogenetic location: 2q37.1.
Variant type: single nucleotide variant.
Coding change: c.848G>T on transcript NM_080424.4 (MANE Select); coding-DNA position 848, G replaced by T.
Protein change: p.Cys283Phe; replaces cysteine 283 with phenylalanine.
Molecular consequence: missense variant.
Genome position (GRCh38, 1-based): chr2:230,208,041, C>A on the plus strand (G>T on the coding strand, the complement: SP110 is on the minus strand). VCF-style: chr2-230208041-C-A. GRCh37 (hg19) VCF-style: chr2-231072756-C-A.
Other names: c.866G>T, p.Cys289Phe (NM_001378444.1, NM_001185015.2, NM_001378442.1 and 2 more transcripts); c.848G>T, p.Cys283Phe (NM_001378443.1, NM_001378447.1, NM_004509.5 and 1 more transcripts); c.848G>T (NM_004509.3); short protein forms C283F, C289F.
Identifiers: ClinVar variation 1018661 (VCV001018661.8), dbSNP rs754775004, ClinGen allele CA2154711.